The following is an entry in ClinVar:

NM_144997.7(FLCN):c.810C>A (p.Thr270=)

Gene: FLCN (folliculin; minus strand). Cytogenetic location: 17p11.2.
Variant type: single nucleotide variant.
Coding change: c.810C>A on transcript NM_144997.7 (MANE Select); coding-DNA position 810, C replaced by A.
Protein change: p.Thr270=; no amino-acid change (threonine 270 retained).
Molecular consequence: synonymous variant.
Genome position (GRCh38, 1-based): chr17:17,221,598, G>T on the plus strand (C>A on the coding strand, the complement: FLCN is on the minus strand). VCF-style: chr17-17221598-G-T. GRCh37 (hg19) VCF-style: chr17-17124912-G-T.
Other names: c.810C>A (LRG_325t1); c.864C>A, p.Thr288= (NM_001353229.2); c.810C>A, p.Thr270= (NM_001353230.2, NM_001353231.2, NM_144606.7).
Identifiers: ClinVar variation 230377 (VCV000230377.14), dbSNP rs372342796, ClinGen allele CA8416283.

ClinVar aggregate classification (germline): Benign/Likely benign. Review status: criteria provided, multiple submitters, no conflicts (2 of 4 stars). 4 submissions from 4 submitters: Benign (1); Likely benign (3). Last evaluated 2024-10-23.

Conditions:
Birt-Hogg-Dube syndrome 1 (BHD1). Also called: FIBROFOLLICULOMAS WITH TRICHODISCOMAS AND ACROCHORDONS. Identifiers: Orphanet 122, MedGen CN375946, MONDO:0800445, OMIM 135150.
Hereditary cancer-predisposing syndrome. Also called: Hereditary Cancer Syndrome; Neoplastic Syndromes, Hereditary; Tumor predisposition; Hereditary neoplastic syndrome. Identifiers: Orphanet 140162, MedGen C0027672, MeSH D009386, MONDO:0015356.
Birt-Hogg-Dube syndrome. Also called: Birt Hogg Dubé syndrome. Identifiers: Orphanet 122, MedGen C0346010, MONDO:0800444.

Allele frequency attached by ClinVar (database versions not stated): gnomAD 0.00001; TOPMed 0.00001.
gnomAD v4.1: 5 of 1,609,910 alleles (0.00031%); highest among the groups gnomAD compares: East Asian, 0.0067%; no homozygotes.

Submissions (4):

Myriad Genetics, Inc.
Classification: Benign for Birt-Hogg-Dube syndrome 1. Last evaluated: 2024-10-23. Review status: criteria provided, single submitter. Criteria: Myriad Autosomal Dominant, Autosomal Recessive and X-Linked Classification Criteria (2023). Collection method: clinical testing. Allele origin: unknown.
Comment: This variant is considered benign. This variant is a silent/synonymous amino acid change and it is not expected to impact splicing.

Labcorp Genetics (formerly Invitae), Labcorp
Classification: Likely benign for Birt-Hogg-Dube syndrome. Last evaluated: 2024-06-13. Review status: criteria provided, single submitter. Criteria: Invitae Variant Classification Sherloc (09022015). Collection method: clinical testing. Allele origin: germline.

Sema4
Classification: Likely benign for Hereditary cancer-predisposing syndrome. Last evaluated: 2021-07-07. Review status: criteria provided, single submitter. Criteria: Sema4 Curation Guidelines. Collection method: curation. Allele origin: germline.

Ambry Genetics
Classification: Likely benign for Hereditary cancer-predisposing syndrome. Last evaluated: 2015-02-13. Review status: criteria provided, single submitter. Criteria: Ambry Variant Classification Scheme 2023. Collection method: clinical testing. Allele origin: germline.